The following is an entry in ClinVar:

NM_022367.4(SEMA4A):c.1619G>A (p.Arg540Gln)

Gene: SEMA4A (semaphorin 4A; plus strand). Cytogenetic location: 1q22.
Variant type: single nucleotide variant.
Coding change: c.1619G>A on transcript NM_022367.4 (MANE Select); coding-DNA position 1619, G replaced by A.
Protein change: p.Arg540Gln; replaces arginine 540 with glutamine.
Molecular consequence: missense variant.
Genome position (GRCh38, 1-based): chr1:156,175,582, G>A. VCF-style: chr1-156175582-G-A. GRCh37 (hg19) VCF-style: chr1-156145373-G-A.
Other names: c.1619G>A, p.Arg540Gln (NM_001193300.2, NM_001193301.2, NM_001370567.1); c.1223G>A, p.Arg408Gln (NM_001193302.2); c.1322G>A, p.Arg441Gln (NM_001370568.1); c.1112G>A, p.Arg371Gln (NM_001370569.1, NM_001370571.1); short protein forms R371Q, R408Q, R441Q, R540Q.
Identifiers: ClinVar variation 1016416 (VCV001016416.10), dbSNP rs184592535, ClinGen allele CA1155421.

ClinVar aggregate classification (germline): Uncertain significance. Review status: criteria provided, multiple submitters, no conflicts (2 of 4 stars). 2 submissions from 2 submitters: Uncertain significance (2). Last evaluated 2025-06-04.

Allele frequency attached by ClinVar (database versions not stated): gnomAD exomes 0.00004; ExAC 0.00008; TOPMed 0.00010; 1000 Genomes Project 30x 0.00016; 1000 Genomes Project 0.00020.
gnomAD v4.1: 67 of 1,613,548 alleles (0.0042%); highest among the groups gnomAD compares: African/African-American, 0.033%; no homozygotes.

Submissions (2):

Labcorp Genetics (formerly Invitae), Labcorp
Classification: Uncertain significance. Last evaluated: 2025-06-04. Review status: criteria provided, single submitter. Criteria: Invitae Variant Classification Sherloc (09022015). Collection method: clinical testing. Allele origin: germline.
Comment: This sequence change replaces arginine, which is basic and polar, with glutamine, which is neutral and polar, at codon 540 of the SEMA4A protein (p.Arg540Gln). This variant is present in population databases (rs184592535, gnomAD 0.02%). This variant has not been reported in the literature in individuals affected with SEMA4A-related conditions. ClinVar contains an entry for this variant (Variation ID: 1016416). Invitae Evidence Modeling of protein sequence and biophysical properties (such as structural, functional, and spatial information, amino acid conservation, physicochemical variation, residue mobility, and thermodynamic stability) indicates that this missense variant is not expected to disrupt SEMA4A protein function with a negative predictive value of 80%. In summary, the available evidence is currently insufficient to determine the role of this variant in disease. Therefore, it has been classified as a Variant of Uncertain Significance.

Blueprint Genetics
Classification: Uncertain significance. Last evaluated: 2023-05-26. Review status: criteria provided, single submitter. Criteria: ACMG Guidelines, 2015. Collection method: clinical testing. Allele origin: germline.